The following is an entry in ClinVar:

NM_001267550.2(TTN):c.85769G>C (p.Arg28590Pro)

Genes: TTN-AS1 (TTN antisense RNA 1; plus strand), TTN (titin; minus strand). Cytogenetic location: 2q31.2.
Variant type: single nucleotide variant.
Coding change: c.85769G>C on transcript NM_001267550.2 (MANE Select); coding-DNA position 85769, G replaced by C.
Protein change: p.Arg28590Pro; replaces arginine 28590 with proline.
Molecular consequence: missense variant.
Genome position (GRCh38, 1-based): chr2:178,560,363, C>G on the plus strand (G>C on the coding strand, the complement: TTN is on the minus strand). VCF-style: chr2-178560363-C-G. GRCh37 (hg19) VCF-style: chr2-179425090-C-G.
Other names: c.80846G>C, p.Arg26949Pro (NM_001256850.1); c.58574G>C, p.Arg19525Pro (NM_003319.4); c.78065G>C, p.Arg26022Pro (NM_133378.4); c.58949G>C, p.Arg19650Pro (NM_133432.3); c.59150G>C, p.Arg19717Pro (NM_133437.4); short protein forms R26949P, R19525P, R28590P, R19717P, R19650P, R26022P.
Identifiers: ClinVar variation 1029098 (VCV001029098.3), dbSNP rs375667028, ClinGen allele CA349548046.

ClinVar aggregate classification (germline): Uncertain significance. Review status: criteria provided, multiple submitters, no conflicts (2 of 4 stars). 2 submissions from 2 submitters: Uncertain significance (2). Last evaluated 2023-03-15.

Conditions:
Autosomal recessive limb-girdle muscular dystrophy type 2J (LGMDR10). Also called: MUSCULAR DYSTROPHY, LIMB-GIRDLE, AUTOSOMAL RECESSIVE 10; Limb-girdle muscular dystrophy, type 2J. Identifiers: Orphanet 140922, MedGen C1837342, MONDO:0012127, OMIM 608807.

Submissions (2):

Revvity Omics, Revvity
Classification: Uncertain significance. Last evaluated: 2023-03-15. Review status: criteria provided, single submitter. Criteria: ACMG Guidelines, 2015. Collection method: clinical testing. Allele origin: germline.

Baylor Genetics
Classification: Uncertain significance for Autosomal recessive limb-girdle muscular dystrophy type 2J. Last evaluated: 2019-11-08. Review status: criteria provided, single submitter. Criteria: ACMG Guidelines, 2015. Collection method: clinical testing. Allele origin: unknown. Affected: yes.
Comment: This variant was determined to be of uncertain significance according to ACMG Guidelines, 2015 [PMID:25741868].